The following is an entry in ClinVar:

ClinVar aggregate classification (germline): Uncertain significance (1 of 4 stars; one submission).

Conditions:
Familial hemophagocytic lymphohistiocytosis 3 (FHL3). Also called: UNC13D-Related Familial Hemophagocytic Lymphohistiocytosis (UNC13D-fHLH). Identifiers: Orphanet 540, MedGen C1837174, MONDO:0012146, OMIM 608898.

Allele frequency attached by ClinVar (database versions not stated): gnomAD exomes below 0.00001.
gnomAD v4.1: 2 of 1,577,560 alleles (0.00013%); highest among the groups gnomAD compares: South Asian, 0.0012%; no homozygotes.

Submission:

Labcorp Genetics (formerly Invitae), Labcorp
Classification: Uncertain significance for Familial hemophagocytic lymphohistiocytosis 3. Last evaluated: 2019-03-13. Review status: criteria provided, single submitter. Criteria: Invitae Variant Classification Sherloc (09022015). Collection method: clinical testing. Allele origin: germline.
Comment: This sequence change replaces threonine with asparagine at codon 982 of the UNC13D protein (p.Thr982Asn). The threonine residue is moderately conserved and there is a small physicochemical difference between threonine and asparagine. This variant is not present in population databases (ExAC no frequency). This variant has not been reported in the literature in individuals with UNC13D-related conditions. Algorithms developed to predict the effect of missense changes on protein structure and function are either unavailable or do not agree on the potential impact of this missense change (SIFT: "Tolerated"; PolyPhen-2: "Possibly Damaging"; Align-GVGD: "Class C0"). In summary, the available evidence is currently insufficient to determine the role of this variant in disease. Therefore, it has been classified as a Variant of Uncertain Significance.

NM_199242.3(UNC13D):c.2945C>A (p.Thr982Asn)

Genes: UNC13D (unc-13 homolog D; minus strand), LOC112533672 (Sharpr-MPRA regulatory region 1193; plus strand). Cytogenetic location: 17q25.1.
Variant type: single nucleotide variant.
Coding change: c.2945C>A on transcript NM_199242.3 (MANE Select); coding-DNA position 2945, C replaced by A.
Protein change: p.Thr982Asn; replaces threonine 982 with asparagine.
Molecular consequence: missense variant.
Genome position (GRCh38, 1-based): chr17:75,830,037, G>T on the plus strand (C>A on the coding strand, the complement: UNC13D is on the minus strand). VCF-style: chr17-75830037-G-T. GRCh37 (hg19) VCF-style: chr17-73826118-G-T.
Other names: short protein forms T982N.
Identifiers: ClinVar variation 847511 (VCV000847511.8), dbSNP rs2064858717, ClinGen allele CA401077527.
Genomic context (GRCh38, chr17:75,830,037, plus strand): 5'-CAGTGGGGAGAGATGAGGGGAGGGACTGGGAGAAGAACGGGACCCACTCACAATTCAAAG[G>T]TCTCATCAAACAATGGGTGAAGGTCCTTCTTGTGCTTCTGGGTCTCCCGGGCGGCCAGCT-3'
Protein context (NP_954712.1, residues 972-992): KKDLHPLFDE[Thr982Asn]FEFLVPAEPC